The following is an entry in ClinVar:

ClinVar aggregate classification (germline): Pathogenic/Likely pathogenic. Review status: criteria provided, multiple submitters, no conflicts (2 of 4 stars). 9 submissions from 7 submitters: Pathogenic (4); Likely pathogenic (1). 4 of the submissions do not count toward it. Last evaluated 2025-03-11.

Conditions:
CITRIN DEFICIENCY, NEONATAL ONSET.
SLC25A13-related disorder. Also called: SLC25A13-related condition.
Neonatal intrahepatic cholestasis due to citrin deficiency (CDNI). Also called: Neonatal Intrahepatic Cholestasis Caused by Citrin Deficiency (NICCD); Neonatal-onset citrullinemia type II; Neonatal-onset citrullinemia type 2; CITRIN DEFICIENCY, NEONATAL OR INFANTILE ONSET. Identifiers: Orphanet 247598, MedGen C1853942, MONDO:0011601, OMIM 605814.
Citrullinemia, type II, adult-onset (CDAA). Also called: CITRIN DEFICIENCY, ADOLESCENT OR ADULT ONSET. Identifiers: Orphanet 247585, MedGen CN295299, MONDO:0011326, OMIM 603471.
Citrullinemia. Identifiers: Orphanet 187, MedGen C0175683, MONDO:0015991.
Citrin deficiency. Identifiers: Orphanet 247582, MedGen C1997910, MONDO:0016602.
Citrullinemia type II. Also called: Citrullinemia Type II (CTLN2). Identifiers: Orphanet 247585, MedGen C1863844, MONDO:0016603.

Allele frequency attached by ClinVar (database versions not stated): gnomAD exomes 0.00001 and 0.00002; ExAC 0.00004; gnomAD 0.00001.

Submissions (9):

Natera, Inc.
Classification: Pathogenic for Citrullinemia. Last evaluated: 2025-03-11. Review status: criteria provided, single submitter. Criteria: Natera Variant Classification Schema (03/2026). Collection method: clinical testing. Allele origin: germline.
Comment: The c.1799dupA variant in SLC25A13 is a frameshift variant predicted to shift the reading frame and introduce a stop codon. This variant is expected to result in nonsense mediated decay, truncation, or a dysfunctional protein product. This variant is rare in the general population with a frequency below the threshold expected for the associated phenotype(s). This variant has been observed in one or more individuals affected with the associated recessive disease, as either homozygous or compound heterozygous with a second variant (PMID: 11153906, 35142380). Additionally, this variant has been observed to segregate in affected family members (PMID: 35142380). Given the available evidence, this variant is classified as Pathogenic.

Labcorp Genetics (formerly Invitae), Labcorp
Classification: Pathogenic for Citrin deficiency. Last evaluated: 2024-07-02. Review status: criteria provided, single submitter. Criteria: Invitae Variant Classification Sherloc (09022015). Collection method: clinical testing. Allele origin: germline.
Comment: This sequence change creates a premature translational stop signal (p.Tyr600*) in the SLC25A13 gene. While this is not anticipated to result in nonsense mediated decay, it is expected to disrupt the last 76 amino acid(s) of the SLC25A13 protein. This variant is present in population databases (rs80338726, gnomAD 0.02%). This premature translational stop signal has been observed in individuals with citrin deficiency (PMID: 11153906, 11343052). This variant is also known as Mutation VI, 1800ins1. ClinVar contains an entry for this variant (Variation ID: 6006). Experimental studies and prediction algorithms are not available or were not evaluated, and the functional significance of this variant is currently unknown. This variant disrupts the C-terminus of the SLC25A13 protein. Other variant(s) that disrupt this region (p.Arg605*, p.Glu601*) have been observed in individuals with SLC25A13-related conditions (PMID: 11153906, 11793471). This suggests that this may be a clinically significant region of the protein. For these reasons, this variant has been classified as Pathogenic.

Fulgent Genetics
Classification: Likely pathogenic for Citrullinemia, type II, adult-onset; Neonatal intrahepatic cholestasis due to citrin deficiency. Last evaluated: 2024-06-14. Review status: criteria provided, single submitter. Criteria: ACMG Guidelines, 2015. Collection method: clinical testing. Allele origin: germline.

Baylor Genetics
Classification: Pathogenic for Citrullinemia, type II, adult-onset. Last evaluated: 2024-03-12. Review status: criteria provided, single submitter. Criteria: ACMG Guidelines, 2015. Collection method: clinical testing. Allele origin: unknown.

Baylor Genetics
Classification: Pathogenic for Neonatal intrahepatic cholestasis due to citrin deficiency. Review status: criteria provided, single submitter. Criteria: ACMG Guidelines, 2015. Collection method: clinical testing. Allele origin: germline.

PreventionGenetics, part of Exact Sciences
Classification: Pathogenic for SLC25A13-related condition. Last evaluated: 2024-07-10. Review status: no assertion criteria provided. Collection method: clinical testing. Allele origin: germline. Not counted in ClinVar's aggregate classification.
Comment: The SLC25A13 c.1799dupA variant is predicted to result in premature protein termination (p.Tyr600*). This variant was reported along with a second SLC25A13 variant in at least two individuals with citrullinaemia, type II (described as [VI] 1800ins1 in Yasuda et al 2000. PubMed ID: 11153906; described as mutation VI in Tazawa et al. 2001. PubMed ID: 11343052). Citrin protein was found to be absent in a liver sample from the patient described by Yasuda et al. (see Figure 4, Yasuda et al 2000. PubMed ID: 11153906). This variant is reported in 0.017% of alleles in individuals of Latino descent in gnomAD. Nonsense variants in SLC25A13 are expected to be pathogenic. Taken together, this variant is interpreted as pathogenic.

OMIM
Classification: Pathogenic for CITRIN DEFICIENCY, ADULT ONSET. Last evaluated: 2001-05-01. Review status: no assertion criteria provided. Collection method: literature only. Allele origin: germline. Not counted in ClinVar's aggregate classification.

OMIM
Classification: Pathogenic for CITRIN DEFICIENCY, NEONATAL ONSET. Last evaluated: 2001-05-01. Review status: no assertion criteria provided. Collection method: literature only. Allele origin: germline. Not counted in ClinVar's aggregate classification.

GeneReviews
No classification provided. Condition: Citrullinemia type II. Review status: no classification provided. Collection method: literature only. Allele origin: unknown. Not counted in ClinVar's aggregate classification.

Literature cited by the submitters: PubMed 11153906 (cited by 4 submitters); PubMed 35142380 (cited by Natera, Inc.); PubMed 11343052 (cited by Labcorp Genetics (formerly Invitae), Labcorp and OMIM); PubMed 11793471 (cited by Labcorp Genetics (formerly Invitae), Labcorp); PubMed 20301360 (cited by GeneReviews); NCBI Bookshelf NBK1181 (cited by GeneReviews).

NM_014251.3(SLC25A13):c.1799dup (p.Tyr600Ter)

Gene: SLC25A13 (solute carrier family 25 member 13; minus strand). Cytogenetic location: 7q21.3.
Variant type: Duplication.
Coding change: c.1799dup on transcript NM_014251.3 (MANE Select); coding-DNA position 1799, one base duplicated (A; older notation c.1799dupA).
Protein change: p.Tyr600Ter; replaces tyrosine 600 with a stop codon.
Molecular consequence: nonsense. On other transcripts: non-coding transcript variant (1).
Genome position (GRCh38, 1-based): chr7:96,121,697, T duplicated on the plus strand (A on the coding strand, the reverse complement: SLC25A13 is on the minus strand). VCF-style (leftmost placement, unchanged base first): chr7-96121696-G-GT. GRCh37 (hg19) VCF-style: chr7-95751008-G-GT.
Other names: c.1802dup, p.Tyr601Ter (NM_001160210.2); c.1799dup (NM_014251.2); short protein forms Y600*, Y601*.
Identifiers: ClinVar variation 6006 (VCV000006006.23), dbSNP rs80338726, ClinGen allele CA253675.